The following is an entry in ClinVar:

ClinVar aggregate classification (germline): Pathogenic (1 of 4 stars; one submission).

Conditions:
Interstitial lung disease due to ABCA3 deficiency. Also called: PULMONARY ALVEOLAR PROTEINOSIS, CONGENITAL, 3. Identifiers: Orphanet 440402, MedGen C1970456, MONDO:0012582, OMIM 610921.

gnomAD v4.1: 8 of 1,610,646 alleles (0.0005%); highest among the groups gnomAD compares: Non-Finnish European, 0.00051%; no homozygotes.

Submission:

Myriad Genetics, Inc.
Classification: Pathogenic for Interstitial lung disease due to ABCA3 deficiency. Last evaluated: 2024-05-21. Review status: criteria provided, single submitter. Criteria: Myriad Autosomal Dominant, Autosomal Recessive and X-Linked Classification Criteria (2023). Collection method: clinical testing. Allele origin: unknown.
Comment: NM_001089.2(ABCA3):c.4681C>T(R1561*) is expected to be pathogenic in the context of surfactant deficiency, ABCA3-related. This variant is predicted to lead to an abnormal or absent protein product due to the creation of a premature termination codon in ABCA3, a gene where loss-of-function variants are known to be pathogenic. Please note: this variant was assessed in the context of healthy population screening.

NM_001089.3(ABCA3):c.4681C>T (p.Arg1561Ter)

Gene: ABCA3 (ATP binding cassette subfamily A member 3; minus strand). Cytogenetic location: 16p13.3.
Variant type: single nucleotide variant.
Coding change: c.4681C>T on transcript NM_001089.3 (MANE Select); coding-DNA position 4681, C replaced by T.
Protein change: p.Arg1561Ter; replaces arginine 1561 with a stop codon.
Molecular consequence: nonsense.
Genome position (GRCh38, 1-based): chr16:2,278,325, G>A on the plus strand (C>T on the coding strand, the complement: ABCA3 is on the minus strand). VCF-style: chr16-2278325-G-A. GRCh37 (hg19) VCF-style: chr16-2328326-G-A.
Other names: short protein forms R1561*.
Identifiers: ClinVar variation 5013077 (VCV005013077.1).